The following is an entry in ClinVar:

ClinVar aggregate classification (germline): Pathogenic. Review status: criteria provided, multiple submitters, no conflicts (2 of 4 stars). 2 submissions from 2 submitters: Pathogenic (2). Last evaluated 2025-12-19.

Conditions:
Autosomal recessive congenital ichthyosis 5 (ARCI5). Also called: Ichthyosis, nonlamellar and nonerythrodermic, congenital, autosomal recessive; ICHTHYOSIS CONGENITA III. Identifiers: Orphanet 313, MedGen C1858133, MONDO:0011485, OMIM 604777.

Submissions (2):

Labcorp Genetics (formerly Invitae), Labcorp
Classification: Pathogenic. Last evaluated: 2025-12-19. Review status: criteria provided, single submitter. Criteria: Invitae Variant Classification Sherloc (09022015). Collection method: clinical testing. Allele origin: germline.
Comment: This sequence change creates a premature translational stop signal (p.Trp99*) in the CYP4F22 gene. It is expected to result in an absent or disrupted protein product. Loss-of-function variants in CYP4F22 are known to be pathogenic (PMID: 16436457, 24397709, 26762237). This variant is not present in population databases (gnomAD no frequency). This variant has not been reported in the literature in individuals affected with CYP4F22-related conditions. ClinVar contains an entry for this variant (Variation ID: 1526150). For these reasons, this variant has been classified as Pathogenic.

3billion
Classification: Pathogenic for Autosomal recessive congenital ichthyosis 5. Last evaluated: 2022-03-22. Review status: criteria provided, single submitter. Criteria: ACMG Guidelines, 2015. Collection method: clinical testing. Allele origin: germline. Affected: yes. Observed: 1 homozygote.
Comment: Stop-gained (nonsense): predicted to result in a loss or disruption of normal protein function through nonsense-mediated decay (NMD) or protein truncation. Multiple pathogenic variants are reported downstream of the variant.It is not observed in the gnomAD v2.1.1 dataset. Therefore, this variant is classified as pathogenic according to the recommendation of ACMG/AMP guideline.

Literature cited by the submitters: PubMed 16436457 (cited by Labcorp Genetics (formerly Invitae), Labcorp); PubMed 24397709 (cited by Labcorp Genetics (formerly Invitae), Labcorp); PubMed 26762237 (cited by Labcorp Genetics (formerly Invitae), Labcorp).

NM_173483.4(CYP4F22):c.296G>A (p.Trp99Ter)

Gene: CYP4F22 (cytochrome P450 family 4 subfamily F member 22; plus strand). Cytogenetic location: 19p13.12.
Variant type: single nucleotide variant.
Coding change: c.296G>A on transcript NM_173483.4 (MANE Select); coding-DNA position 296, G replaced by A.
Protein change: p.Trp99Ter; replaces tryptophan 99 with a stop codon.
Molecular consequence: nonsense.
Genome position (GRCh38, 1-based): chr19:15,529,782, G>A. VCF-style: chr19-15529782-G-A. GRCh37 (hg19) VCF-style: chr19-15640593-G-A.
Other names: short protein forms W99*.
Identifiers: ClinVar variation 1526150 (VCV001526150.2), dbSNP rs2144518363, ClinGen allele CA404527308.
Genomic context (GRCh38, chr19:15,529,782, plus strand): 5'-AGGCGGGCCTTCAAGATGAGAAGAAGGTACTGGACAACATGCACCATGTACTCTTGGTAT[G>A]GATGGGACCTGTCCTGCCGCTGTTGGTTCTGGTGCACCCTGATTACATCAAACCCCTTTT-3'